The following is an entry in ClinVar:

NM_004360.5(CDH1):c.1222G>A (p.Ala408Thr)

Gene: CDH1 (cadherin 1; plus strand). Cytogenetic location: 16q22.1.
Variant type: single nucleotide variant.
Coding change: c.1222G>A on transcript NM_004360.5 (MANE Select); coding-DNA position 1222, G replaced by A.
Protein change: p.Ala408Thr; replaces alanine 408 with threonine.
Molecular consequence: missense variant. On other transcripts: 5 prime UTR variant (2), intron variant (1).
Genome position (GRCh38, 1-based): chr16:68,813,397, G>A. VCF-style: chr16-68813397-G-A. GRCh37 (hg19) VCF-style: chr16-68847300-G-A.
Other names: c.-394G>A (NM_001317185.2); c.-598G>A (NM_001317186.2); c.1137+1134G>A (NM_001317184.2); short protein forms A408T.
Identifiers: ClinVar variation 3664112 (VCV003664112.2).

ClinVar aggregate classification (germline): Uncertain significance (1 of 4 stars; one submission).

Conditions:
Hereditary diffuse gastric adenocarcinoma (HDGC). Also called: DIFFUSE GASTRIC AND LOBULAR BREAST CANCER SYNDROME. Identifiers: Orphanet 26106, MedGen C1708349, MONDO:0007648, OMIM 137215.

Submission:

Labcorp Genetics (formerly Invitae), Labcorp
Classification: Uncertain significance for Hereditary diffuse gastric adenocarcinoma. Last evaluated: 2024-09-01. Review status: criteria provided, single submitter. Criteria: Invitae Variant Classification Sherloc (09022015). Collection method: clinical testing. Allele origin: germline.
Comment: This sequence change replaces alanine, which is neutral and non-polar, with threonine, which is neutral and polar, at codon 408 of the CDH1 protein (p.Ala408Thr). This variant is not present in population databases (gnomAD no frequency). This variant has not been reported in the literature in individuals affected with CDH1-related conditions. An algorithm developed to predict the effect of missense changes on protein structure and function (PolyPhen-2) suggests that this variant is likely to be disruptive. In summary, the available evidence is currently insufficient to determine the role of this variant in disease. Therefore, it has been classified as a Variant of Uncertain Significance.